The following is an entry in ClinVar:

NM_001386393.1(PANK2):c.33G>A (p.Leu11=)

Genes: PANK2 (pantothenate kinase 2; plus strand), LOC130065345 (ATAC-STARR-seq lymphoblastoid silent region 12635; plus strand). Cytogenetic location: 20p13.
Variant type: single nucleotide variant.
Coding change: c.33G>A on transcript NM_001386393.1 (MANE Select); coding-DNA position 33, G replaced by A.
Protein change: p.Leu11=; no amino-acid change (leucine 11 retained).
Molecular consequence: synonymous variant. On other transcripts: 5 prime UTR variant (1), non-coding transcript variant (1), intron variant (1).
Genome position (GRCh38, 1-based): chr20:3,889,463, G>A. VCF-style: chr20-3889463-G-A. GRCh37 (hg19) VCF-style: chr20-3870110-G-A.
Other names: c.-679G>A (NM_001324191.2); c.363G>A, p.Leu121= (NM_001324192.1, NM_153638.4); c.-246+559G>A (NM_024960.6).
Identifiers: ClinVar variation 2158457 (VCV002158457.17), dbSNP rs545567832, ClinGen allele CA509565560.

ClinVar aggregate classification (germline): Likely benign. Review status: criteria provided, multiple submitters, no conflicts (2 of 4 stars). 2 submissions from 2 submitters: Likely benign (2). Last evaluated 2025-02-01.

Conditions:
Pigmentary pallidal degeneration (NBIA1). Also called: PKAN NEUROAXONAL DYSTROPHY, JUVENILE-ONSET; Neurodegeneration with brain iron accumulation 1; Neuroaxonal dystrophy, late infantile; Hallervorden-Spatz disease; Pantothenate Kinase-Associated Neurodegeneration; HARP SYNDROME. Identifiers: Orphanet 157850, MedGen C0018523, MONDO:0009319, OMIM 234200.

gnomAD v4.1: 5 of 1,543,580 alleles (0.00032%); highest among the groups gnomAD compares: African/African-American, 0.0014%; no homozygotes.

Submissions (2):

CeGaT Center for Human Genetics Tuebingen
Classification: Likely benign. Last evaluated: 2025-02-01. Review status: criteria provided, single submitter. Criteria: CeGaT Center For Human Genetics Tuebingen Variant Classification Criteria Version 2. Collection method: clinical testing. Allele origin: germline. Affected: yes. Observed: 1 variant allele.
Comment: PANK2: BP4, BP7

Labcorp Genetics (formerly Invitae), Labcorp
Classification: Likely benign for Pigmentary pallidal degeneration. Last evaluated: 2023-11-08. Review status: criteria provided, single submitter. Criteria: Invitae Variant Classification Sherloc (09022015). Collection method: clinical testing. Allele origin: germline.